The following is an entry in ClinVar:

NM_000535.7(PMS2):c.1723A>C (p.Asn575His)

Gene: PMS2 (PMS1 homolog 2, mismatch repair system component; minus strand). Cytogenetic location: 7p22.1.
Variant type: single nucleotide variant.
Coding change: c.1723A>C on transcript NM_000535.7 (MANE Select); coding-DNA position 1723, A replaced by C.
Protein change: p.Asn575His; replaces asparagine 575 with histidine.
Molecular consequence: missense variant. On other transcripts: non-coding transcript variant (1), intron variant (1).
Genome position (GRCh38, 1-based): chr7:5,987,042, T>G on the plus strand (A>C on the coding strand, the complement: PMS2 is on the minus strand). VCF-style: chr7-5987042-T-G. GRCh37 (hg19) VCF-style: chr7-6026673-T-G.
Other names: c.1414A>C, p.Asn472His (NM_001406879.1, NM_001406880.1, NM_001406881.1 and 5 more transcripts); c.1405A>C, p.Asn469His (NM_001406883.1, NM_001406903.1, NM_001406876.1 and 2 more transcripts); c.1399A>C, p.Asn467His (NM_001406884.1); c.1387A>C, p.Asn463His (NM_001406885.1); c.1357A>C, p.Asn453His (NM_001406886.1); c.1318A>C, p.Asn440His (NM_001406887.1, NM_001406898.1, NM_001406899.1 and 17 more transcripts); c.1258A>C, p.Asn420His (NM_001406900.1); c.1249A>C, p.Asn417His (NM_001406901.1, NM_001406902.1); and 13 more; short protein forms N318H, N388H, N453H, N467H, N539H, N575H, N583H, N637H.
Identifiers: ClinVar variation 2771345 (VCV002771345.4), dbSNP rs142506484, ClinGen allele CA366740172.

ClinVar aggregate classification (germline): Uncertain significance. Review status: criteria provided, multiple submitters, no conflicts (2 of 4 stars). 2 submissions from 2 submitters: Uncertain significance (2). Last evaluated 2024-05-14.

Conditions:
Lynch syndrome. Identifiers: Orphanet 144, MedGen C4552100, MONDO:0005835. Disease mechanism: loss of function.
Hereditary nonpolyposis colorectal neoplasms. Identifiers: MedGen C0009405, MeSH D003123.

Submissions (2):

All of Us Research Program, National Institutes of Health
Classification: Uncertain significance for Lynch syndrome. Last evaluated: 2024-05-14. Review status: criteria provided, single submitter. Criteria: ACMG Guidelines, 2015. Collection method: clinical testing. Allele origin: germline. Inheritance: Autosomal dominant inheritance. Observed: 1 variant allele, 1 heterozygote.
Comment: This missense variant replaces asparagine with histidine at codon 575 of the PMS2 protein. Computational prediction suggests that this variant may not impact protein structure and function (internally defined REVEL score threshold <= 0.5, PMID: 27666373). To our knowledge, functional studies have not been reported for this variant. This variant has not been reported in individuals affected with PMS2-related disorders in the literature. This variant has not been identified in the general population by the Genome Aggregation Database (gnomAD). The available evidence is insufficient to determine the role of this variant in disease conclusively. Therefore, this variant is classified as a Variant of Uncertain Significance.

This study involves interpretation of variants in research participants for the purpose of population health screening. Participant phenotype was not available at the time of variant classification. Additional details can be found in publication PMID: 35346344, PMCID: PMC8962531

Labcorp Genetics (formerly Invitae), Labcorp
Classification: Uncertain significance for Hereditary nonpolyposis colorectal neoplasms. Last evaluated: 2023-10-23. Review status: criteria provided, single submitter. Criteria: Invitae Variant Classification Sherloc (09022015). Collection method: clinical testing. Allele origin: germline.
Comment: This sequence change replaces asparagine, which is neutral and polar, with histidine, which is basic and polar, at codon 575 of the PMS2 protein (p.Asn575His). This variant is not present in population databases (gnomAD no frequency). This variant has not been reported in the literature in individuals affected with PMS2-related conditions. Advanced modeling of protein sequence and biophysical properties (such as structural, functional, and spatial information, amino acid conservation, physicochemical variation, residue mobility, and thermodynamic stability) performed at Invitae indicates that this missense variant is not expected to disrupt PMS2 protein function. In summary, the available evidence is currently insufficient to determine the role of this variant in disease. Therefore, it has been classified as a Variant of Uncertain Significance.